The following is an entry in ClinVar:

ClinVar aggregate classification (germline): Uncertain significance (1 of 4 stars; one submission).

Submission:

GeneDx
Classification: Uncertain significance. Last evaluated: 2017-06-05. Review status: criteria provided, single submitter. Criteria: GeneDx Variant Classification (06012015). Collection method: clinical testing. Allele origin: germline. Affected: yes.
Comment: The I29079T variant in the TTN gene has not been reported previously as a pathogenic variant, nor as a benign variant, to our knowledge. The I29079T variant is not observed in large population cohorts (Lek et al., 2016; 1000 Genomes Consortium et al., 2015; Exome Variant Server). The I29079T variant is a non-conservative amino acid substitution, which is likely to impact secondary protein structure as these residues differ in polarity, charge, size and/or other properties. This substitution occurs at a position where amino acids with similar properties to Isoleucine are tolerated across species. In silico analysis predicts this variant is probably damaging to the protein structure/function. We interpret I29079T as a variant of uncertain significance.

NM_001267550.2(TTN):c.94940T>C (p.Ile31647Thr)

Genes: TTN (titin; minus strand), TTN-AS1 (TTN antisense RNA 1; plus strand). Cytogenetic location: 2q31.2.
Variant type: single nucleotide variant.
Coding change: c.94940T>C on transcript NM_001267550.2 (MANE Select); coding-DNA position 94940, T replaced by C.
Protein change: p.Ile31647Thr; replaces isoleucine 31647 with threonine.
Molecular consequence: missense variant.
Genome position (GRCh38, 1-based): chr2:178,546,391, A>G on the plus strand (T>C on the coding strand, the complement: TTN is on the minus strand). VCF-style: chr2-178546391-A-G. GRCh37 (hg19) VCF-style: chr2-179411118-A-G.
Other names: c.90017T>C, p.Ile30006Thr (NM_001256850.1); c.67745T>C, p.Ile22582Thr (NM_003319.4); c.87236T>C, p.Ile29079Thr (NM_133378.4); c.68120T>C, p.Ile22707Thr (NM_133432.3); c.68321T>C, p.Ile22774Thr (NM_133437.4); short protein forms I30006T, I31647T, I29079T, I22582T, I22707T, I22774T.
Identifiers: ClinVar variation 432290 (VCV000432290.2), dbSNP rs1553521967, ClinGen allele CA349468579.